The following is an entry in ClinVar:

ClinVar aggregate classification (germline): Benign/Likely benign. Review status: criteria provided, multiple submitters, no conflicts (2 of 4 stars). 3 submissions from 3 submitters: Benign (2); Likely benign (1). Last evaluated 2026-02-01.

Conditions:
Pseudohypoaldosteronism type 2C (PHA2C). Also called: Pseudohypoaldosteronism Type IIC. Identifiers: Orphanet 757, Orphanet 88940, MedGen C1840391, MONDO:0013778, OMIM 614492.
Neuropathy, hereditary sensory and autonomic, type 2A (HSAN2A). Also called: ACROOSTEOLYSIS, GIACCAI TYPE; ACROOSTEOLYSIS, NEUROGENIC; MORVAN DISEASE; NEUROPATHY, CONGENITAL SENSORY; NEUROPATHY, HEREDITARY SENSORY RADICULAR, AUTOSOMAL RECESSIVE; NEUROPATHY, HEREDITARY SENSORY, TYPE IIA. Identifiers: Orphanet 970, MedGen C2752089, MONDO:0024309, OMIM 201300.

Allele frequency attached by ClinVar (database versions not stated): ESP Exome Variant Server 0.00016; gnomAD 0.00091 and 0.00144; gnomAD exomes 0.00137 and 0.00332; TOPMed 0.00139; ExAC 0.00456; 1000 Genomes Project 30x 0.00734; 1000 Genomes Project 0.00799.
gnomAD v4.1: 2,249 of 1,586,632 alleles (0.14%); highest among the groups gnomAD compares: East Asian, 3.4%; 30 homozygotes.

Submissions (3):

Labcorp Genetics (formerly Invitae), Labcorp
Classification: Benign for Neuropathy, hereditary sensory and autonomic, type 2A; Pseudohypoaldosteronism type 2C. Last evaluated: 2026-02-01. Review status: criteria provided, single submitter. Criteria: Invitae Variant Classification Sherloc (09022015). Collection method: clinical testing. Allele origin: germline.

ARUP Laboratories, Molecular Genetics and Genomics, ARUP Laboratories
Classification: Benign. Last evaluated: 2023-09-14. Review status: criteria provided, single submitter. Criteria: ARUP Molecular Germline Variant Investigation Process 2024. Collection method: clinical testing. Allele origin: germline.

Illumina Laboratory Services, Illumina
Classification: Likely benign for Pseudohypoaldosteronism type 2C. Last evaluated: 2017-04-27. Review status: criteria provided, single submitter. Criteria: ICSL Variant Classification Criteria 13 December 2019. Collection method: clinical testing. Allele origin: germline.
Comment: This variant was observed as part of a predisposition screen in an ostensibly healthy population. A literature search was performed for the gene, cDNA change, and amino acid change (where applicable). Publications were found based on this search. The evidence from the literature, in combination with allele frequency data from public databases where available, was sufficient to determine this variant is unlikely to cause disease. Therefore, this variant is classified as likely benign.

Literature cited by the submitters: PubMed 21530900 (cited by Illumina Laboratory Services, Illumina).

NM_018979.4(WNK1):c.446C>T (p.Ala149Val)

Gene: WNK1 (WNK lysine deficient protein kinase 1; plus strand). Cytogenetic location: 12p13.33.
Variant type: single nucleotide variant.
Coding change: c.446C>T on transcript NM_018979.4 (MANE Select); coding-DNA position 446, C replaced by T.
Protein change: p.Ala149Val; replaces alanine 149 with valine.
Molecular consequence: missense variant.
Genome position (GRCh38, 1-based): chr12:754,011, C>T. VCF-style: chr12-754011-C-T. GRCh37 (hg19) VCF-style: chr12-863177-C-T.
Other names: c.446C>T, p.Ala149Val (NM_001184985.2, NM_014823.3, NM_213655.5); short protein forms A149V.
Identifiers: ClinVar variation 310543 (VCV000310543.22), dbSNP rs34880640, ClinGen allele CA6381790.
Genomic context (GRCh38, chr12:754,011, plus strand): 5'-CCACTTCCCAGGTAGCCCAGCAGCCTCCAGCCGCTGCCGCCCCTGGGGAACAGGCCGTCG[C>T]GGGCCCTGCCCCCTCGACTGTCCCCAGCAGTACCAGCAAAGACCGCCCAGTGTCCCAGCC-3'
Protein context (NP_061852.3, residues 139-159): AAAAPGEQAV[Ala149Val]GPAPSTVPSS